The following is an entry in ClinVar:

ClinVar aggregate classification (germline): Uncertain significance (1 of 4 stars; one submission).

Allele frequency attached by ClinVar (database versions not stated): gnomAD exomes below 0.00001.
gnomAD v4.1: 1 of 1,464,734 alleles (0.000068%); highest among the groups gnomAD compares: Non-Finnish European, 0.00009%; no homozygotes.

Submission:

Labcorp Genetics (formerly Invitae), Labcorp
Classification: Uncertain significance. Last evaluated: 2022-04-04. Review status: criteria provided, single submitter. Criteria: Invitae Variant Classification Sherloc (09022015). Collection method: clinical testing. Allele origin: germline.
Comment: Algorithms developed to predict the effect of sequence changes on RNA splicing suggest that this variant may create or strengthen a splice site. Algorithms developed to predict the effect of missense changes on protein structure and function output the following: SIFT: "Tolerated"; PolyPhen-2: "Not Available"; Align-GVGD: "Class C0". The valine amino acid residue is found in multiple mammalian species, which suggests that this missense change does not adversely affect protein function. This variant has not been reported in the literature in individuals affected with GNPTG-related conditions. This variant is not present in population databases (gnomAD no frequency). This sequence change replaces alanine, which is neutral and non-polar, with valine, which is neutral and non-polar, at codon 16 of the GNPTG protein (p.Ala16Val). In summary, the available evidence is currently insufficient to determine the role of this variant in disease. Therefore, it has been classified as a Variant of Uncertain Significance.

NM_032520.5(GNPTG):c.47C>T (p.Ala16Val)

Genes: GNPTG (N-acetylglucosamine-1-phosphate transferase subunit gamma; plus strand), LOC130058158 (ATAC-STARR-seq lymphoblastoid silent region 6972; plus strand). Cytogenetic location: 16p13.3.
Variant type: single nucleotide variant.
Coding change: c.47C>T on transcript NM_032520.5 (MANE Select); coding-DNA position 47, C replaced by T.
Protein change: p.Ala16Val; replaces alanine 16 with valine.
Molecular consequence: missense variant.
Genome position (GRCh38, 1-based): chr16:1,352,012, C>T. VCF-style: chr16-1352012-C-T. GRCh37 (hg19) VCF-style: chr16-1402013-C-T.
Other names: short protein forms A16V.
Identifiers: ClinVar variation 1990684 (VCV001990684.4), dbSNP rs2548185554, ClinGen allele CA394183923.